The following is an entry in ClinVar:

ClinVar aggregate classification (germline): Likely benign. Review status: criteria provided, multiple submitters, no conflicts (2 of 4 stars). 2 submissions from 2 submitters: Likely benign (2). Last evaluated 2026-07-01.

gnomAD v4.1: 7,181 of 1,614,136 alleles (0.44%); highest among the groups gnomAD compares: Non-Finnish European, 0.58%; 34 homozygotes.

Submissions (2):

CeGaT Center for Human Genetics Tuebingen
Classification: Likely benign. Last evaluated: 2026-07-01. Review status: criteria provided, single submitter. Criteria: CeGaT Center For Human Genetics Tuebingen Variant Classification Criteria Version 2. Collection method: clinical testing. Allele origin: germline. Affected: yes. Observed: 12 variant alleles.
Comment: SRRM2: BP4, BP7, BS2

Blueprint Genetics
Classification: Likely benign. Last evaluated: 2024-11-13. Review status: criteria provided, single submitter. Criteria: ACMG Guidelines, 2015. Collection method: clinical testing. Allele origin: germline.

NM_016333.4(SRRM2):c.2787C>T (p.Ser929=)

Gene: SRRM2 (serine/arginine repetitive matrix 2; plus strand). Cytogenetic location: 16p13.3.
Variant type: single nucleotide variant.
Coding change: c.2787C>T on transcript NM_016333.4 (MANE Select); coding-DNA position 2787, C replaced by T.
Protein change: p.Ser929=; no amino-acid change (serine 929 retained).
Molecular consequence: synonymous variant.
Genome position (GRCh38, 1-based): chr16:2,763,315, C>T. VCF-style: chr16-2763315-C-T. GRCh37 (hg19) VCF-style: chr16-2813316-C-T.
Identifiers: ClinVar variation 3770738 (VCV003770738.14).
Genomic context (GRCh38, chr16:2,763,315, plus strand): 5'-ATCTAGGTCATCATCTCCACAACCCAAAGTGAAGGCAATAATATCACCAAGACAAAGAAG[C>T]CATTCTGGCTCCTCTTCTCCAAGTCCTAGTAGGGTGACGTCGAGAACAACTCCACGGCGA-3'
Protein context (NP_057417.3, residues 919-939): VKAIISPRQR[Ser929=]HSGSSSPSPS